The following is an entry in ClinVar:

NM_001036.6(RYR3):c.11067T>G (p.Ser3689=)

Gene: RYR3 (ryanodine receptor 3; plus strand). Cytogenetic location: 15q14.
Variant type: single nucleotide variant.
Coding change: c.11067T>G on transcript NM_001036.6 (MANE Select); coding-DNA position 11067, T replaced by G.
Protein change: p.Ser3689=; no amino-acid change (serine 3689 retained).
Molecular consequence: synonymous variant.
Genome position (GRCh38, 1-based): chr15:33,823,067, T>G. VCF-style: chr15-33823067-T-G. GRCh37 (hg19) VCF-style: chr15-34115268-T-G.
Other names: c.11052T>G, p.Ser3684= (NM_001243996.4).
Identifiers: ClinVar variation 531133 (VCV000531133.14), dbSNP rs201724283, ClinGen allele CA7461099.
Genomic context (GRCh38, chr15:33,823,067, plus strand): 5'-TTACCTAAAGGAGAAAAAGGATGCTGGATTCTTTCAAAGCCTTTCTGGTCTTATGCAGTC[T>G]TGCAGGTAAATGCGGGAAAACTACCATAGCATTTAAAAAACTCTTCCCTCTAAGCATAGG-3'
Protein context (NP_001027.3, residues 3679-3699): FFQSLSGLMQ[Ser3689=]CSVLDLNAFE

ClinVar aggregate classification (germline): Likely benign. Review status: criteria provided, multiple submitters, no conflicts (2 of 4 stars). 3 submissions from 3 submitters: Likely benign (3). Last evaluated 2025-12-09.

Conditions:
Epileptic encephalopathy. Identifiers: MedGen C0543888, HP:0200134.
RYR3-related disorder. Also called: RYR3-related condition.

Allele frequency attached by ClinVar (database versions not stated): ExAC 0.00004; gnomAD exomes 0.00005; gnomAD 0.00036 and 0.00037; 1000 Genomes Project 30x 0.00094; 1000 Genomes Project 0.00100; TOPMed 0.00102.
gnomAD v4.1: 102 of 1,612,968 alleles (0.0063%); highest among the groups gnomAD compares: Admixed American, 0.14%; no homozygotes.

Submissions (3):

PreventionGenetics, part of Exact Sciences
Classification: Likely benign for RYR3-related condition. Last evaluated: 2025-12-09. Review status: criteria provided, single submitter. Criteria: ACMG Guidelines, 2015. Collection method: clinical testing. Allele origin: germline.
Comment: This variant is classified as likely benign based on ACMG/AMP sequence variant interpretation guidelines (Richards et al. 2015 PMID: 25741868, with internal and published modifications).

Labcorp Genetics (formerly Invitae), Labcorp
Classification: Likely benign for Epileptic encephalopathy. Last evaluated: 2024-10-29. Review status: criteria provided, single submitter. Criteria: Invitae Variant Classification Sherloc (09022015). Collection method: clinical testing. Allele origin: germline.

Blueprint Genetics
Classification: Likely benign. Last evaluated: 2022-06-23. Review status: criteria provided, single submitter. Criteria: ACMG Guidelines, 2015. Collection method: clinical testing. Allele origin: germline.